The following is an entry in ClinVar:

ClinVar aggregate classification (germline): Uncertain significance (1 of 4 stars; one submission).

Submission:

CeGaT Center for Human Genetics Tuebingen
Classification: Uncertain significance. Last evaluated: 2022-05-01. Review status: criteria provided, single submitter. Criteria: CeGaT Center For Human Genetics Tuebingen Variant Classification Criteria Version 2. Collection method: clinical testing. Allele origin: germline. Affected: yes. Observed: 1 variant allele.
Comment: AGRN: PM2

NM_198576.4(AGRN):c.1153C>T (p.Arg385Cys)

Gene: AGRN (agrin; plus strand). Cytogenetic location: 1p36.33.
Variant type: single nucleotide variant.
Coding change: c.1153C>T on transcript NM_198576.4 (MANE Select); coding-DNA position 1153, C replaced by T.
Protein change: p.Arg385Cys; replaces arginine 385 with cysteine.
Molecular consequence: missense variant.
Genome position (GRCh38, 1-based): chr1:1,041,678, C>T. VCF-style: chr1-1041678-C-T. GRCh37 (hg19) VCF-style: chr1-977058-C-T.
Other names: c.1153C>T, p.Arg385Cys (NM_001305275.2); c.838C>T, p.Arg280Cys (NM_001364727.2); short protein forms R280C, R385C.
Identifiers: ClinVar variation 1694479 (VCV001694479.31), dbSNP rs1008012998, ClinGen allele CA16751935.